The following is an entry in ClinVar:

NM_152383.5(DIS3L2):c.1781C>T (p.Ala594Val)

Gene: DIS3L2 (DIS3 like 3'-5' exoribonuclease 2; plus strand). Cytogenetic location: 2q37.1.
Variant type: single nucleotide variant.
Coding change: c.1781C>T on transcript NM_152383.5 (MANE Select); coding-DNA position 1781, C replaced by T.
Protein change: p.Ala594Val; replaces alanine 594 with valine.
Molecular consequence: missense variant. On other transcripts: intron variant (1).
Genome position (GRCh38, 1-based): chr2:232,329,854, C>T. VCF-style: chr2-232329854-C-T. GRCh37 (hg19) VCF-style: chr2-233194564-C-T.
Other names: c.1582-13491C>T (NM_001257281.2); short protein forms A594V.
Identifiers: ClinVar variation 1407364 (VCV001407364.6), dbSNP rs202072358, ClinGen allele CA2164267.

ClinVar aggregate classification (germline): Uncertain significance (1 of 4 stars; one submission).

Conditions:
Perlman syndrome (PRLMNS). Identifiers: Orphanet 2849, MedGen C0796113, MONDO:0009965, OMIM 267000.

Allele frequency attached by ClinVar (database versions not stated): ExAC 0.00001; gnomAD 0.00001; 1000 Genomes Project 0.00020.

Submission:

Labcorp Genetics (formerly Invitae), Labcorp
Classification: Uncertain significance for Perlman syndrome. Last evaluated: 2021-08-06. Review status: criteria provided, single submitter. Criteria: Invitae Variant Classification Sherloc (09022015). Collection method: clinical testing. Allele origin: germline.
Comment: In summary, the available evidence is currently insufficient to determine the role of this variant in disease. Therefore, it has been classified as a Variant of Uncertain Significance. Algorithms developed to predict the effect of missense changes on protein structure and function are either unavailable or do not agree on the potential impact of this missense change (SIFT: "Deleterious"; PolyPhen-2: "Probably Damaging"; Align-GVGD: "Class C15"). This variant has not been reported in the literature in individuals affected with DIS3L2-related conditions. This variant is present in population databases (rs202072358, ExAC 0.01%). This sequence change replaces alanine with valine at codon 594 of the DIS3L2 protein (p.Ala594Val). The alanine residue is highly conserved and there is a small physicochemical difference between alanine and valine.